The following is an entry in ClinVar:

NM_001846.4(COL4A2):c.450dup (p.Gly151fs)

Gene: COL4A2 (collagen type IV alpha 2 chain; plus strand). Cytogenetic location: 13q34.
Variant type: Duplication.
Coding change: c.450dup on transcript NM_001846.4 (MANE Select); coding-DNA position 450, one base duplicated (C; older notation c.450dupC).
Protein change: p.Gly151fs; shifts the reading frame from glycine 151.
Molecular consequence: frameshift variant.
Genome position (GRCh38, 1-based): chr13:110,428,556, C duplicated; the last of 6 consecutive C bases (chr13:110,428,551-110,428,556); duplicating any one gives the same sequence. VCF-style (leftmost placement, unchanged base first): chr13-110428550-G-GC. GRCh37 (hg19) VCF-style: chr13-111080897-G-GC.
Other names: short protein forms G151fs.
Identifiers: ClinVar variation 3777420 (VCV003777420.1).

ClinVar aggregate classification (germline): Uncertain significance (1 of 4 stars; one submission).

Submission:

GeneDx
Classification: Uncertain significance. Last evaluated: 2024-10-08. Review status: criteria provided, single submitter. Criteria: GeneDx Variant Classification Process June 2021. Collection method: clinical testing. Allele origin: germline. Affected: yes.
Comment: Frameshift variant predicted to result in protein truncation or nonsense mediated decay in a gene or region of a gene for which loss of function is not a well-established mechanism of disease; Has not been previously published as pathogenic or benign to our knowledge